The following is an entry in ClinVar:

NM_001199140.2(AMMECR1L):c.891C>T (p.Asn297=)

Gene: AMMECR1L (AMMECR1 like; minus strand). Cytogenetic location: 2q14.3.
Variant type: single nucleotide variant.
Coding change: c.891C>T on transcript NM_001199140.2 (MANE Select); coding-DNA position 891, C replaced by T.
Protein change: p.Asn297=; no amino-acid change (asparagine 297 retained).
Molecular consequence: synonymous variant.
Genome position (GRCh38, 1-based): chr2:127,865,136, G>A on the plus strand (C>T on the coding strand, the complement: AMMECR1L is on the minus strand). VCF-style: chr2-127865136-G-A. GRCh37 (hg19) VCF-style: chr2-128622710-G-A.
Other names: c.1026C>T, p.Asn342= (NM_001410953.1); c.780C>T, p.Asn260= (NM_001410954.1); c.891C>T, p.Asn297= (NM_031445.2).
Identifiers: ClinVar variation 2651343 (VCV002651343.24), dbSNP rs142938193, ClinGen allele CA1864901.

ClinVar aggregate classification (germline): Likely benign (1 of 4 stars; one submission).

Allele frequency attached by ClinVar (database versions not stated): ExAC 0.00017; 1000 Genomes Project 0.00020; gnomAD 0.00025; 1000 Genomes Project 30x 0.00031; TOPMed 0.00031; ESP Exome Variant Server 0.00046.
gnomAD v4.1: 435 of 1,613,882 alleles (0.027%); highest among the groups gnomAD compares: Middle Eastern, 0.21%; no homozygotes.

Submission:

CeGaT Center for Human Genetics Tuebingen
Classification: Likely benign. Last evaluated: 2022-07-01. Review status: criteria provided, single submitter. Criteria: CeGaT Center For Human Genetics Tuebingen Variant Classification Criteria Version 2. Collection method: clinical testing. Allele origin: germline. Affected: yes. Observed: 1 variant allele.
Comment: AMMECR1L: BP4, BP7